The following is an entry in ClinVar:

NM_003816.3(ADAM9):c.1880A>C (p.Lys627Thr)

Gene: ADAM9 (ADAM metallopeptidase domain 9; plus strand). Cytogenetic location: 8p11.22.
Variant type: single nucleotide variant.
Coding change: c.1880A>C on transcript NM_003816.3 (MANE Select); coding-DNA position 1880, A replaced by C.
Protein change: p.Lys627Thr; replaces lysine 627 with threonine.
Molecular consequence: missense variant. On other transcripts: non-coding transcript variant (3).
Genome position (GRCh38, 1-based): chr8:39,077,410, A>C. VCF-style: chr8-39077410-A-C. GRCh37 (hg19) VCF-style: chr8-38934929-A-C.
Other names: short protein forms K627T.
Identifiers: ClinVar variation 1363065 (VCV001363065.6), dbSNP rs768326565, ClinGen allele CA4721734.
Genomic context (GRCh38, chr8:39,077,410, plus strand): 5'-TAGGATCAGATGTTCCAGATCCTGGGATGGTTAACGAAGGCACAAAATGTGGTGCTGGAA[A>C]GGTAATCAAAATATTTTTTATTTACAAAGTAAAATGAAAAAAATTAAAAAAATTATTATA-3'
Protein context (NP_003807.1, residues 617-637): VNEGTKCGAG[Lys627Thr]ICRNFQCVDA

ClinVar aggregate classification (germline): Uncertain significance (1 of 4 stars; one submission).

Allele frequency attached by ClinVar (database versions not stated): gnomAD exomes below 0.00001; ExAC 0.00001; TOPMed 0.00001.
gnomAD v4.1: 13 of 1,607,696 alleles (0.00081%); highest among the groups gnomAD compares: Non-Finnish European, 0.0011%; no homozygotes.

Submission:

Labcorp Genetics (formerly Invitae), Labcorp
Classification: Uncertain significance. Last evaluated: 2021-08-04. Review status: criteria provided, single submitter. Criteria: Invitae Variant Classification Sherloc (09022015). Collection method: clinical testing. Allele origin: germline.
Comment: This variant is present in population databases (rs768326565, ExAC 0.002%). This sequence change replaces lysine with threonine at codon 627 of the ADAM9 protein (p.Lys627Thr). The lysine residue is highly conserved and there is a moderate physicochemical difference between lysine and threonine. This variant has not been reported in the literature in individuals affected with ADAM9-related conditions. In summary, the available evidence is currently insufficient to determine the role of this variant in disease. Therefore, it has been classified as a Variant of Uncertain Significance. Algorithms developed to predict the effect of sequence changes on RNA splicing suggest that this variant may disrupt the consensus splice site. Algorithms developed to predict the effect of missense changes on protein structure and function (SIFT, PolyPhen-2, Align-GVGD) all suggest that this variant is likely to be disruptive.